The following is an entry in ClinVar:

NM_000535.7(PMS2):c.2045T>G (p.Phe682Cys)

Gene: PMS2 (PMS1 homolog 2, mismatch repair system component; minus strand). Cytogenetic location: 7p22.1.
Variant type: single nucleotide variant.
Coding change: c.2045T>G on transcript NM_000535.7 (MANE Select); coding-DNA position 2045, T replaced by G.
Protein change: p.Phe682Cys; replaces phenylalanine 682 with cysteine.
Molecular consequence: missense variant. On other transcripts: non-coding transcript variant (1).
Genome position (GRCh38, 1-based): chr7:5,982,953, A>C on the plus strand (T>G on the coding strand, the complement: PMS2 is on the minus strand). VCF-style: chr7-5982953-A-C. GRCh37 (hg19) VCF-style: chr7-6022584-A-C.
Other names: c.1640T>G, p.Phe547Cys (NM_001018040.1, NM_001322003.2, NM_001322004.2 and 15 more transcripts); c.1889T>G, p.Phe630Cys (NM_001322006.2, NM_001406870.1); c.1727T>G, p.Phe576Cys (NM_001322007.2, NM_001322008.2, NM_001406876.1 and 1 more transcripts); c.1484T>G, p.Phe495Cys (NM_001322010.2, NM_001406906.1, NM_001406907.1); c.1112T>G, p.Phe371Cys (NM_001322011.2, NM_001322012.2); c.1472T>G, p.Phe491Cys (NM_001322013.2, NM_001406909.1); c.2045T>G, p.Phe682Cys (NM_001322014.2, NM_001406871.1); c.1736T>G, p.Phe579Cys (NM_001322015.2, NM_001406875.1, NM_001406877.1 and 5 more transcripts); and 13 more; short protein forms F547C, F570C, F682C, F371C, F425C, F491C, F495C, F524C.
Identifiers: ClinVar variation 1784962 (VCV001784962.3), dbSNP rs2128704267, ClinGen allele CA366738114.

ClinVar aggregate classification (germline): Uncertain significance. Review status: criteria provided, multiple submitters, no conflicts (2 of 4 stars). 2 submissions from 2 submitters: Uncertain significance (2). Last evaluated 2025-09-29.

Conditions:
Hereditary cancer-predisposing syndrome. Also called: Neoplastic Syndromes, Hereditary; Tumor predisposition; Hereditary Cancer Syndrome; Hereditary neoplastic syndrome. Identifiers: Orphanet 140162, MedGen C0027672, MeSH D009386, MONDO:0015356.

Submissions (2):

Color Diagnostics, LLC DBA Color Health
Classification: Uncertain significance for Hereditary cancer-predisposing syndrome. Last evaluated: 2025-09-29. Review status: criteria provided, single submitter. Criteria: ACMG Guidelines, 2015. Collection method: clinical testing. Allele origin: germline.
Comment: This missense variant replaces phenylalanine with cysteine at codon 682 of the PMS2 protein. Computational prediction suggests that this variant may have deleterious impact on protein structure and function. To our knowledge, functional studies have not been reported for this variant. This variant has not been reported in individuals affected with PMS2-related disorders in the literature. This variant has not been identified in the general population by the Genome Aggregation Database (gnomAD). The available evidence is insufficient to determine the role of this variant in disease conclusively. Therefore, this variant is classified as a Variant of Uncertain Significance.

Ambry Genetics
Classification: Uncertain significance for Hereditary cancer-predisposing syndrome. Last evaluated: 2022-03-14. Review status: criteria provided, single submitter. Criteria: Ambry Variant Classification Scheme 2023. Collection method: clinical testing. Allele origin: germline.
Comment: The p.F682C variant (also known as c.2045T>G), located in coding exon 12 of the PMS2 gene, results from a T to G substitution at nucleotide position 2045. The phenylalanine at codon 682 is replaced by cysteine, an amino acid with highly dissimilar properties. This amino acid position is conserved. In addition, this alteration is predicted to be deleterious by in silico analysis. Since supporting evidence is limited at this time, the clinical significance of this alteration remains unclear.